The following is an entry in ClinVar:

NM_203446.3(SYNJ1):c.2604A>G (p.Ile868Met)

Gene: SYNJ1 (synaptojanin 1; minus strand). Cytogenetic location: 21q22.11.
Variant type: single nucleotide variant.
Coding change: c.2604A>G on transcript NM_203446.3 (MANE Select); coding-DNA position 2604, A replaced by G.
Protein change: p.Ile868Met; replaces isoleucine 868 with methionine.
Molecular consequence: missense variant.
Genome position (GRCh38, 1-based): chr21:32,656,878, T>C on the plus strand (A>G on the coding strand, the complement: SYNJ1 is on the minus strand). VCF-style: chr21-32656878-T-C. GRCh37 (hg19) VCF-style: chr21-34029188-T-C.
Other names: c.2604A>G, p.Ile868Met (NM_001160302.2); c.2589A>G, p.Ile863Met (NM_001160306.2); c.2721A>G, p.Ile907Met (NM_003895.4); short protein forms I907M, I863M, I868M.
Identifiers: ClinVar variation 478335 (VCV000478335.8), dbSNP rs377165480, ClinGen allele CA10003614.

ClinVar aggregate classification (germline): Uncertain significance (1 of 4 stars; one submission).

Conditions:
Developmental and epileptic encephalopathy, 53. Also called: Epileptic encephalopathy, early infantile, 53. Identifiers: MedGen C4479313, MONDO:0033362, OMIM 617389.
Early-onset Parkinson disease 20. Also called: PARKINSON DISEASE 20, AUTOSOMAL RECESSIVE EARLY-ONSET. Identifiers: Orphanet 391411, MedGen C3809824, MONDO:0014233, OMIM 615530.

Allele frequency attached by ClinVar (database versions not stated): gnomAD exomes below 0.00001 and 0.00001; ExAC 0.00001; gnomAD 0.00001; TOPMed 0.00001; ESP Exome Variant Server 0.00008.
gnomAD v4.1: 13 of 1,614,024 alleles (0.00081%); highest among the groups gnomAD compares: African/African-American, 0.0013%; no homozygotes.

Submission:

Labcorp Genetics (formerly Invitae), Labcorp
Classification: Uncertain significance for Developmental and epileptic encephalopathy, 53; Early-onset Parkinson disease 20. Last evaluated: 2024-11-11. Review status: criteria provided, single submitter. Criteria: Invitae Variant Classification Sherloc (09022015). Collection method: clinical testing. Allele origin: germline.
Comment: This sequence change replaces isoleucine, which is neutral and non-polar, with methionine, which is neutral and non-polar, at codon 907 of the SYNJ1 protein (p.Ile907Met). This variant is present in population databases (rs377165480, gnomAD 0.0009%). This variant has not been reported in the literature in individuals affected with SYNJ1-related conditions. ClinVar contains an entry for this variant (Variation ID: 478335). Invitae Evidence Modeling of protein sequence and biophysical properties (such as structural, functional, and spatial information, amino acid conservation, physicochemical variation, residue mobility, and thermodynamic stability) indicates that this missense variant is expected to disrupt SYNJ1 protein function with a positive predictive value of 80%. In summary, the available evidence is currently insufficient to determine the role of this variant in disease. Therefore, it has been classified as a Variant of Uncertain Significance.